The following continues an entry in ClinVar:

NM_002693.3(POLG):c.2665G>A (p.Ala889Thr)

Gene: POLG. ClinVar aggregate classification (germline): Conflicting classifications of pathogenicity. Pathogenic (6); Likely pathogenic (4); Uncertain significance (1).

Submissions 9 to 11 of 11:

Athena Diagnostics
Classification: Pathogenic. Last evaluated: 2021-03-22. Review status: criteria provided, single submitter. Criteria: Athena Diagnostics criteria. Collection method: clinical testing. Allele origin: unknown.
Comment: The frequency of this variant in the general population is consistent with pathogenicity. This variant has been identified in at least one individual with clinical features associated with this gene. Assessment of experimental evidence suggests this variant results in abnormal protein function. This variant was shown to impair polymerase activity (PMID: 17980715). In multiple individuals, this variant has been seen with a single recessive pathogenic variant in the same gene, suggesting this variant may also be pathogenic. Computational tools predict that this variant is damaging.

Ambry Genetics
Classification: Uncertain significance for Inborn genetic diseases. Last evaluated: 2020-03-10. Review status: criteria provided, single submitter. Criteria: Ambry Variant Classification Scheme 2023. Collection method: clinical testing. Allele origin: germline.
Comment: The p.A889T variant (also known as c.2665G>A), located in coding exon 16 of the POLG gene, results from a G to A substitution at nucleotide position 2665. The alanine at codon 889 is replaced by threonine, an amino acid with similar properties. This variant was detected in a homozygous sensory ataxia neuropathy dysarthria and ophthalmoplegia (SANDO) case, as well as in several unaffected heterozygous family members (Bandettini di Poggio M et al. BMC Med. Genet., 2013 Oct;14:105). This variant has also been reported in individuals with progressive external ophthalmoplegia (PEO) and myoclonic epilepsy myopathy sensory ataxia (MEMSA), some of whom had additional POLG variants detected; however, information about phase (cis or trans) was not provided (Filosto M et al. Arch. Neurol., 2003 Sep;60:1279-84; Hisama FM et al. Am. J. Med. Genet. A, 2005 Jun;135:217-9; Boddaert N et al. Mol. Genet. Metab., 2008 Jan;93:85-8). Functional studies in yeast models suggested some impact; however clinical relevance in humans has not been determined (Baruffini E et al. Biochim. Biophys. Acta, 2007 Dec;1772:1225-35). This amino acid position is highly conserved in available vertebrate species. In addition, this alteration is predicted to be deleterious by in silico analysis. Since supporting evidence is limited at this time, the clinical significance of this alteration remains unclear.

CeGaT Center for Human Genetics Tuebingen
Classification: Pathogenic. Last evaluated: 2020-03-01. Review status: criteria provided, single submitter. Criteria: CeGaT Center For Human Genetics Tuebingen Variant Classification Criteria Version 2. Collection method: clinical testing. Allele origin: germline. Affected: yes. Observed: 1 variant allele.

Literature cited by the submitters: PubMed 12975295 (cited by 6 submitters); PubMed 17980715 (cited by 5 submitters); PubMed 25462018 (cited by 4 submitters); PubMed 24099403 (cited by 6 submitters); PubMed 29474836 (cited by 6 submitters); PubMed 15800909 (cited by 5 submitters); PubMed 33486010 (cited by Women's Health and Genetics/Laboratory Corporation of America, LabCorp); PubMed 16545482 (cited by Athena Diagnostics); PubMed 22470557 (cited by Athena Diagnostics and Ambry Genetics); PubMed 20883824 (cited by Athena Diagnostics and Ambry Genetics); PubMed 17950645 (cited by Athena Diagnostics and Ambry Genetics); PubMed 20185557 (cited by Athena Diagnostics and Ambry Genetics).